The following is an entry in ClinVar:

NM_005633.4(SOS1):c.626T>A (p.Met209Lys)

Gene: SOS1 (SOS Ras/Rac guanine nucleotide exchange factor 1; minus strand). Cytogenetic location: 2p22.1.
Variant type: single nucleotide variant.
Coding change: c.626T>A on transcript NM_005633.4 (MANE Select); coding-DNA position 626, T replaced by A.
Protein change: p.Met209Lys; replaces methionine 209 with lysine.
Molecular consequence: missense variant.
Genome position (GRCh38, 1-based): chr2:39,054,708, A>T on the plus strand (T>A on the coding strand, the complement: SOS1 is on the minus strand). VCF-style: chr2-39054708-A-T. GRCh37 (hg19) VCF-style: chr2-39281849-A-T.
Other names: c.605T>A, p.Met202Lys (NM_001382394.1); c.626T>A, p.Met209Lys (NM_001382395.1); short protein forms M209K, M202K.
Identifiers: ClinVar variation 3673234 (VCV003673234.2).
Genomic context (GRCh38, chr2:39,054,708, plus strand): 5'-GGCTCTCTAAAAACTTTTATAATTAGATTTAGTTCCCTTATATATTGTCGAATTTCTGCC[A>T]TAAATGCTTTTACCAAATCATAGTAAGTTTGTTCTCCTGAGGTGGAAGGCTCTTCGTCAG-3'
Protein context (NP_005624.2, residues 199-219): QTYYDLVKAF[Met209Lys]AEIRQYIREL

ClinVar aggregate classification (germline): Uncertain significance (1 of 4 stars; one submission).

Conditions:
RASopathy. Also called: Noonan spectrum disorder; rasopathies. Identifiers: Orphanet 536391, MedGen C5555857, MONDO:0021060.

Submission:

Labcorp Genetics (formerly Invitae), Labcorp
Classification: Uncertain significance for RASopathy. Last evaluated: 2025-06-13. Review status: criteria provided, single submitter. Criteria: Invitae Variant Classification Sherloc (09022015). Collection method: clinical testing. Allele origin: germline.
Comment: This sequence change replaces methionine, which is neutral and non-polar, with lysine, which is basic and polar, at codon 209 of the SOS1 protein (p.Met209Lys). This variant is not present in population databases (gnomAD no frequency). This variant has not been reported in the literature in individuals affected with SOS1-related conditions. ClinVar contains an entry for this variant (Variation ID: 3673234). Invitae Evidence Modeling of protein sequence and biophysical properties (such as structural, functional, and spatial information, amino acid conservation, physicochemical variation, residue mobility, and thermodynamic stability) indicates that this missense variant is expected to disrupt SOS1 protein function with a positive predictive value of 95%. In summary, the available evidence is currently insufficient to determine the role of this variant in disease. Therefore, it has been classified as a Variant of Uncertain Significance.